The following is an entry in ClinVar:

NM_004655.4(AXIN2):c.1473C>T (p.Ala491=)

Gene: AXIN2 (axin 2; minus strand). Cytogenetic location: 17q24.1.
Variant type: single nucleotide variant.
Coding change: c.1473C>T on transcript NM_004655.4 (MANE Select); coding-DNA position 1473, C replaced by T.
Protein change: p.Ala491=; no amino-acid change (alanine 491 retained).
Molecular consequence: synonymous variant.
Genome position (GRCh38, 1-based): chr17:65,537,563, G>A on the plus strand (C>T on the coding strand, the complement: AXIN2 is on the minus strand). VCF-style: chr17-65537563-G-A. GRCh37 (hg19) VCF-style: chr17-63533681-G-A.
Other names: c.1473C>T, p.Ala491= (NM_001363813.1); c.1473C>T (LRG_296t1).
Identifiers: ClinVar variation 464552 (VCV000464552.18), dbSNP rs1048751630, ClinGen allele CA293098273.

ClinVar aggregate classification (germline): Benign/Likely benign. Review status: criteria provided, multiple submitters, no conflicts (2 of 4 stars). 5 submissions from 5 submitters: Benign (1); Likely benign (4). Last evaluated 2025-06-11.

Conditions:
Hereditary cancer-predisposing syndrome. Also called: Hereditary neoplastic syndrome; Neoplastic Syndromes, Hereditary; Hereditary Cancer Syndrome; Tumor predisposition. Identifiers: Orphanet 140162, MedGen C0027672, MeSH D009386, MONDO:0015356.
Oligodontia-cancer predisposition syndrome. Also called: TOOTH AGENESIS-COLORECTAL CANCER SYNDROME. Identifiers: Orphanet 300576, MedGen C1837750, MONDO:0012075, OMIM 608615. Disease mechanism: loss of function.

Allele frequency attached by ClinVar (database versions not stated): gnomAD exomes 0.00001; TOPMed 0.00002.
gnomAD v4.1: 11 of 1,610,778 alleles (0.00068%); highest among the groups gnomAD compares: South Asian, 0.0011%; no homozygotes.

Submissions (5):

Labcorp Genetics (formerly Invitae), Labcorp
Classification: Likely benign for Oligodontia-cancer predisposition syndrome. Last evaluated: 2025-06-11. Review status: criteria provided, single submitter. Criteria: Invitae Variant Classification Sherloc (09022015). Collection method: clinical testing. Allele origin: germline.

Myriad Genetics, Inc.
Classification: Benign for Oligodontia-cancer predisposition syndrome. Last evaluated: 2024-07-03. Review status: criteria provided, single submitter. Criteria: Myriad Autosomal Dominant, Autosomal Recessive and X-Linked Classification Criteria (2023). Collection method: clinical testing. Allele origin: unknown.
Comment: This variant is considered benign. This variant is a silent/synonymous amino acid change and it is not expected to impact splicing.

Blueprint Genetics
Classification: Likely benign. Last evaluated: 2023-03-03. Review status: criteria provided, single submitter. Criteria: ACMG Guidelines, 2015. Collection method: clinical testing. Allele origin: germline.

Ambry Genetics
Classification: Likely benign for Hereditary cancer-predisposing syndrome. Last evaluated: 2022-01-26. Review status: criteria provided, single submitter. Criteria: Ambry Variant Classification Scheme 2023. Collection method: clinical testing. Allele origin: germline.

GeneDx
Classification: Likely benign. Last evaluated: 2019-04-26. Review status: criteria provided, single submitter. Criteria: GeneDx Variant Classification Process June 2021. Collection method: clinical testing. Allele origin: germline. Affected: yes.